The following is an entry in ClinVar:

NM_194277.3(FRMD7):c.-14C>T

Gene: FRMD7 (FERM domain containing 7; minus strand). Cytogenetic location: Xq26.2.
Variant type: single nucleotide variant.
Coding change: c.-14C>T on transcript NM_194277.3 (MANE Select); 14 bases upstream of the start codon, C replaced by T.
Molecular consequence: 5 prime UTR variant.
Genome position (GRCh38, 1-based): chrX:132,127,858, G>A on the plus strand (C>T on the coding strand, the complement: FRMD7 is on the minus strand). VCF-style: chrX-132127858-G-A. GRCh37 (hg19) VCF-style: chrX-131261886-G-A.
Other names: c.-14C>T (NM_001306193.2).
Identifiers: ClinVar variation 367913 (VCV000367913.6), dbSNP rs200222913, ClinGen allele CA10519152.

ClinVar aggregate classification (germline): Likely benign. Review status: criteria provided, multiple submitters, no conflicts (2 of 4 stars). 2 submissions from 2 submitters: Likely benign (2). Last evaluated 2024-09-10.

Conditions:
Nystagmus 1, congenital, X-linked. Also called: NYSTAGMUS, INFANTILE PERIODIC ALTERNATING, X-LINKED; NYSTAGMUS, INFANTILE IDIOPATHIC; FRMD7-Related Infantile Nystagmus; NYSTAGMUS 1, INFANTILE, X-LINKED; NYSTAGMUS, CONGENITAL MOTOR, 1. Identifiers: MedGen C1839580, MONDO:0010693, OMIM 310700.

Allele frequency attached by ClinVar (database versions not stated): 1000 Genomes Project 30x 0.00021; 1000 Genomes Project 0.00026; gnomAD 0.00054; TOPMed 0.00072; ExAC 0.00077; ESP Exome Variant Server 0.00095; gnomAD exomes 0.00102.

Submissions (2):

Blueprint Genetics
Classification: Likely benign. Last evaluated: 2024-09-10. Review status: criteria provided, single submitter. Criteria: ACMG Guidelines, 2015. Collection method: clinical testing. Allele origin: germline.

Illumina Laboratory Services, Illumina
Classification: Likely benign for Nystagmus 1, congenital, X-linked. Last evaluated: 2018-01-13. Review status: criteria provided, single submitter. Criteria: ICSL Variant Classification Criteria 13 December 2019. Collection method: clinical testing. Allele origin: germline.
Comment: This variant was observed in the ICSL laboratory as part of a predisposition screen in an ostensibly healthy population. It had not been previously curated by ICSL or reported in the Human Gene Mutation Database (HGMD: prior to June 1st, 2018), and was therefore a candidate for classification through an automated scoring system. Utilizing variant allele frequency, disease prevalence and penetrance estimates, and inheritance mode, an automated score was calculated to assess if this variant is too frequent to cause the disease. Based on the score and internal cut-off values, a variant classified as likely benign is not then subjected to further curation. The score for this variant resulted in a classification of likely benign for this disease.